The following is an entry in ClinVar:

NM_005861.4(STUB1):c.427AAG[2] (p.Lys145del)

Gene: STUB1 (STIP1 homology and U-box containing protein 1; plus strand). Cytogenetic location: 16p13.3.
Variant type: Microsatellite.
Coding change: c.427AAG[2] on transcript NM_005861.4 (MANE Select); two copies in a row of the 3-base unit AAG starting at c.427; the reference has three copies in a row; one copy, 3 bases deleted; also written c.433_435del.
Protein change: p.Lys145del; deletes lysine 145.
Molecular consequence: inframe deletion.
Genome position (GRCh38, 1-based): chr16:681,512-681,514, AAG deleted; deleting any 3 consecutive bases within chr16:681,505-681,514 gives the same sequence; the position shown is the placement nearest the transcript's 3' end. VCF-style (leftmost placement, unchanged base first): chr16-681504-CGAA-C. GRCh37 (hg19) VCF-style: chr16-731504-CGAA-C.
Other names: c.211AAG[2], p.Lys73del (NM_001293197.2); c.433_435delAAG (NM_005861.4); c.433_435del (NM_005861.4); short protein forms K145del, K73del.
Identifiers: ClinVar variation 1217982 (VCV001217982.32), dbSNP rs779647632, ClinGen allele CA7786593.
Genomic context (GRCh38, chr16:681,504, plus strand): 5'-GCCTGGCCAAGGAGCAGCGGCTGAACTTCGGGGACGACATCCCCAGCGCTCTTCGAATCG[CGAA>C]GAAGAAGCGCTGGAACAGCATTGAGGAGCGGCGCATCCACCAGGAGAGCGAGCTGCACTC-3'

ClinVar aggregate classification (germline): Conflicting classifications of pathogenicity. Review status: criteria provided, conflicting classifications (1 of 4 stars). 13 submissions from 13 submitters: Pathogenic (2); Likely pathogenic (6); Uncertain significance (3). 2 of the submissions do not count toward it. Last evaluated 2026-08-01.

Conditions:
Autosomal recessive spinocerebellar ataxia 16. Identifiers: Orphanet 412057, MedGen C5190574, MONDO:0014339, OMIM 615768.
Spinocerebellar ataxia 48. Identifiers: Orphanet 631103, MedGen C4748158, MONDO:0032526, OMIM 618093.
STUB1-related disorder. Also called: STUB1-related condition.

Submissions (13):

CeGaT Center for Human Genetics Tuebingen
Classification: Likely pathogenic. Last evaluated: 2026-08-01. Review status: criteria provided, single submitter. Criteria: CeGaT Center For Human Genetics Tuebingen Variant Classification Criteria Version 2. Collection method: clinical testing. Allele origin: germline. Affected: yes. Observed: 3 variant alleles.
Comment: STUB1: PS4, PM2:Supporting, PM4:Supporting

Institute of Human Genetics, University of Leipzig Medical Center
Classification: Uncertain significance for Spinocerebellar ataxia 48. Last evaluated: 2025-06-23. Review status: criteria provided, single submitter. Criteria: ACMG Guidelines, 2015. Collection method: clinical testing. Allele origin: maternal. Inheritance: Autosomal dominant inheritance. Affected: yes.
Comment: Criteria applied: PS4_MOD,PM2_SUP,PM4_SUP.

Women's Health and Genetics/Laboratory Corporation of America, LabCorp
Classification: Uncertain significance. Last evaluated: 2025-06-17. Review status: criteria provided, single submitter. Criteria: LabCorp Variant Classification Summary - May 2015. Collection method: clinical testing. Allele origin: germline.
Comment: Variant summary: STUB1 c.433_435delAAG (p.Lys145del) results in an in-frame deletion that is predicted to remove one amino acid from the encoded protein. The variant allele was found at a frequency of 4e-06 in 249106 control chromosomes (gnomAD). The available data on variant occurrences in the general population are insufficient to allow any conclusion about variant significance. c.433_435delAAG has been observed in individuals affected with clinical features of STUB1-related disorders (Roux_2020., Cheng_2021, Magri_2021). These data do not allow any conclusion about variant significance. To our knowledge, no experimental evidence demonstrating an impact on protein function has been reported. The following publications have been ascertained in the context of this evaluation (PMID: 34663476, 33057194, 34906452, 32713943, 35982159). ClinVar contains an entry for this variant (Variation ID: 1217982). Based on the evidence outlined above, the variant was classified as uncertain significance.

Labcorp Genetics (formerly Invitae), Labcorp
Classification: Uncertain significance. Last evaluated: 2025-05-19. Review status: criteria provided, single submitter. Criteria: Invitae Variant Classification Sherloc (09022015). Collection method: clinical testing. Allele origin: germline.
Comment: This variant, c.433_435del, results in the deletion of 1 amino acid(s) of the STUB1 protein (p.Lys145del), but otherwise preserves the integrity of the reading frame. This variant is present in population databases (rs779647632, gnomAD 0.0009%). This variant has been observed in individual(s) with clinical features of STUB1-related conditions (PMID: 32713943, 34663476, 38973070). This variant is also known as c.426_428del, p.K143del. Experimental studies and prediction algorithms are not available or were not evaluated, and the functional significance of this variant is currently unknown. In summary, the available evidence is currently insufficient to determine the role of this variant in disease. Therefore, it has been classified as a Variant of Uncertain Significance.

Blueprint Genetics
Classification: Likely pathogenic for STUB1-related disorders. Last evaluated: 2024-11-14. Review status: criteria provided, single submitter. Criteria: ACMG Guidelines, 2015. Collection method: clinical testing. Allele origin: germline. Affected: yes. Observed: 5 variant alleles.

Institute of Immunology and Genetics Kaiserslautern
Classification: Pathogenic for Spinocerebellar ataxia 48. Last evaluated: 2024-09-26. Review status: criteria provided, single submitter. Criteria: ACMG Guidelines, 2015. Collection method: clinical testing. Allele origin: germline. Affected: yes.
Comment: ACMG Criteria: PS4, PM1, PM2_P, PM4, PM5, PP5; Variant was found in heterozygous state.

GeneDx
Classification: Pathogenic. Last evaluated: 2024-04-30. Review status: criteria provided, single submitter. Criteria: GeneDx Variant Classification Process June 2021. Collection method: clinical testing. Allele origin: germline. Affected: yes.
Comment: In-frame deletion of 1 amino acid in a non-repeat region; Not observed at a significant frequency in large population cohorts (gnomAD); In silico analysis supports a deleterious effect on protein structure/function; This variant is associated with the following publications: (PMID: 33057194, 35982159, 34663476, 34906452)

Molecular Genetics, Royal Melbourne Hospital
Classification: Likely pathogenic for Spinocerebellar ataxia 48. Last evaluated: 2022-09-05. Review status: criteria provided, single submitter. Criteria: ACMG Guidelines, 2015. Collection method: clinical testing. Allele origin: germline. Affected: yes.
Comment: This sequence change is predicted to cause a change in the length of the protein due to an in-frame deletion of a single amino acid in a non-repeat region of the STUB1 protein, p.(Lys145del). The region deleted is highly conserved (100 vertebrates, UCSC), and is located in the coiled-coil domain. This variant is present in a single individual in the European (non-Finnish) population from the population database gnomAD v2.1 (1/112,126 alleles). This variant has been reported in at least five probands with a phenotype consistent with spinocerebellar ataxia 48 (SCA48; PMID: 32713943, 34906452; Shariant; Royal Melbourne Hospital). The variant has been reported to segregate with SCA48 in three affected family members from a single family (PMID: 34906452). This variant has been observed in trans with the variant c.433A>C, p.(Lys145Gln) (PMID: 34663476) which is classified as pathogenic/likely pathogenic (ClinVar ID: 212325) in an individual with spinocerebellar ataxia autosomal recessive 16 (SCAR16). Based on the classification scheme RMH Modified ACMG Guidelines v1.5.1, this variant is classified as LIKELY PATHOGENIC. Following criteria are met: PM3, PS4_Supporting, PM2_Supporting, PM4_Supporting, PP1.

Institute of Human Genetics Munich, TUM University Hospital
Classification: Likely pathogenic for Autosomal recessive spinocerebellar ataxia 16. Last evaluated: 2022-08-30. Review status: criteria provided, single submitter. Criteria: Classification criteria August 2017. Collection method: clinical testing. Allele origin: germline. Inheritance: Autosomal recessive inheritance. Affected: yes. Observed: 1 variant allele.

Genetics and Molecular Pathology, SA Pathology
Classification: Likely pathogenic for Autosomal recessive spinocerebellar ataxia 16. Last evaluated: 2022-06-29. Review status: criteria provided, single submitter. Criteria: ACMG Guidelines, 2015. Collection method: clinical testing. Allele origin: germline. Affected: yes.
Comment: The STUB1 c.433_435del variant is classified as a LIKELY PATHOGENIC variant (PS4_moderate, PM4_supporting, PM2, PM3_supporting, PP1_moderate) This variant is an inframe deletion of 3bp predicted to cause the deletion of lysine at position 145 of the STUB1 protein (p.Lys145del) in exon 3/7. This variant is predicted to alter the length of the protein produced by the STUB1 gene due to an inframe deletion variant in a non-repeat region (PM4_supporting). The variant has been reported multiple times in individuals affected with SCA (at least 8 probands, with or without frontal syndrome) (PMID: 32713943, 33200713, 34906452, SA Pathology 2022, Royal Melbourne Hospital 2022) (PS4_moderate). The variant has been previously detected in a SCA proband, in trans with another STUB1 variant (PMID: 34663476) (PM3_supporting). The variant has segregated with disease in a family with SCA (PMID: 34906452) (PP1_moderate). The variant is in dbSNP (rs779647632) but is rare in population databases (gnomAD v2.1 1/249106, 0 homozygote) (PM2). This variant has been reported in ClinVar (Variation ID: 1217982) as pathogenic or VUS. This variant has been reported in HGMD (Accession no.: CD2023883) as disease causing.

Juno Genomics, Hangzhou Juno Genomics, Inc
Classification: Likely pathogenic for Spinocerebellar ataxia 48; Autosomal recessive spinocerebellar ataxia 16. Review status: criteria provided, single submitter. Criteria: ACMG Guidelines, 2015. Collection method: clinical testing. Allele origin: germline.
Comment: Absent from controls (or at extremely low frequency if recessive) in Genome Aggregation Database.;Protein length changes due to in-frame deletions/insertions in a non-repeat region or stop-loss variants.;Co-segregation with disease in multiple affected family members.;The prevalence of the variant in affected individuals is significantly increased compared to the prevalence in controls.

Clinical Genetics DNA and cytogenetics Diagnostics Lab, Erasmus MC, Erasmus Medical Center
Classification: Uncertain significance. Review status: no assertion criteria provided. Collection method: clinical testing. Allele origin: germline. Affected: yes. Study: VKGL Data-share Consensus. Not counted in ClinVar's aggregate classification.

Diagnostic Laboratory, Department of Genetics, University Medical Center Groningen
Classification: Uncertain significance. Review status: no assertion criteria provided. Collection method: clinical testing. Allele origin: germline. Affected: yes. Study: VKGL Data-share Consensus. Not counted in ClinVar's aggregate classification.

Literature cited by the submitters: PubMed 35982159 (cited by Women's Health and Genetics/Laboratory Corporation of America, LabCorp); PubMed 34663476 (cited by 4 submitters); PubMed 33057194 (cited by Women's Health and Genetics/Laboratory Corporation of America, LabCorp); PubMed 34906452 (cited by 3 submitters); PubMed 32713943 (cited by 4 submitters); PubMed 38973070 (cited by Labcorp Genetics (formerly Invitae), Labcorp); PubMed 33417001 (cited by Institute of Human Genetics Munich, TUM University Hospital); PubMed 33200713 (cited by Genetics and Molecular Pathology, SA Pathology).